The following continues an entry in ClinVar:

NM_001376.5(DYNC1H1):c.751C>T (p.Arg251Cys)

Gene: DYNC1H1. ClinVar aggregate classification (germline): Conflicting classifications of pathogenicity. Pathogenic (8); Likely pathogenic (3); Uncertain significance (1).

Submissions 8 to 17 of 17:

Institute of Human Genetics Munich, TUM University Hospital
Classification: Pathogenic for Autosomal dominant childhood-onset proximal spinal muscular atrophy without contractures. Last evaluated: 2023-11-20. Review status: criteria provided, single submitter. Criteria: Classification criteria August 2017. Collection method: clinical testing. Allele origin: de novo. Inheritance: Autosomal dominant inheritance. Affected: yes. Observed: 1 variant allele.

AURAGEN, Plan France Médecine Génomique
Classification: Pathogenic for Skeletal myopathy. Last evaluated: 2021-12-13. Review status: criteria provided, single submitter. Criteria: PFMG2025 (Lancet Reg Health Eur. 2025). Collection method: clinical testing. Allele origin: germline. Affected: yes.

CeGaT Center for Human Genetics Tuebingen
Classification: Uncertain significance. Last evaluated: 2016-05-01. Review status: criteria provided, single submitter. Criteria: CeGaT Center For Human Genetics Tuebingen Variant Classification Criteria Version 2. Collection method: clinical testing. Allele origin: germline. Affected: yes. Observed: 1 variant allele.

Centre for Mendelian Genomics, University Medical Centre Ljubljana
Classification: Likely pathogenic for Distal lower limb amyotrophy; Hammertoe; Myopathy; Pes cavus. Last evaluated: 2015-05-11. Review status: criteria provided, single submitter. Criteria: ACMG Guidelines, 2015. Collection method: clinical testing. Allele origin: unknown. Affected: yes.

Kasturba Medical College, Manipal, Kasturba Medical College, Manipal, Manipal Academy of Higher Education, Manipal, India
Classification: Likely pathogenic for Autosomal dominant childhood-onset proximal spinal muscular atrophy without contractures. Review status: criteria provided, single submitter. Criteria: ACMG Guidelines, 2015. Collection method: research. Allele origin: de novo. Inheritance: Autosomal dominant inheritance. Affected: yes. Observed: 1 heterozygote.
Comment: The variant is absent in gnomAD (v4.1.0) and in our in-house database of 3673 exomes. In-silico analysis tools (CADD_phred, and REVEL) predict the variant as disease-causing and likely to affect the DYNC1H1 protein function. In a previously reported study, four unrelated patients with the same variant in DYNC1H1 has been reported to have similar phenotype of congenital talipes equinovarus, delayed walking, predominant lower limb weakness requiring walking aids, mild brain abnormalities and learning difficulties (Chan et al, 2018).

Département de Neurologie, Hospices Civils de Lyon
Classification: Likely pathogenic for Autosomal dominant childhood-onset proximal spinal muscular atrophy without contractures. Last evaluated: 2023-02-24. Review status: no assertion criteria provided. Collection method: clinical testing. Allele origin: unknown. Inheritance: Sporadic. Affected: yes. Not counted in ClinVar's aggregate classification.

Clinical Genetics, Academic Medical Center
Classification: Pathogenic. Review status: no assertion criteria provided. Collection method: clinical testing. Allele origin: germline. Affected: yes. Study: VKGL Data-share Consensus. Not counted in ClinVar's aggregate classification.

Genome Diagnostics Laboratory, Amsterdam University Medical Center
Classification: Pathogenic. Review status: no assertion criteria provided. Collection method: clinical testing. Allele origin: germline. Affected: yes. Study: VKGL Data-share Consensus. Not counted in ClinVar's aggregate classification.

Hong-Tao Li Lab, Institute of Brain Science and Brain-inspired Research, Shandong First Medical University & Shandong Academy of Medical Sciences China
Classification: Uncertain significance for Autosomal dominant childhood-onset proximal spinal muscular atrophy without contractures. Review status: no assertion criteria provided. Collection method: research. Allele origin: germline. Inheritance: Autosomal dominant inheritance. Affected: yes. Observed: 1 variant allele, 1 heterozygote. Not counted in ClinVar's aggregate classification.
Comment: Observed in affected individuals from a Pakistani neurodevelopmental-disorder research cohort of 263 individuals. Classification assigned using the ACMG/AMP framework.

Joint Genome Diagnostic Labs from Nijmegen and Maastricht, Radboudumc and MUMC+
Classification: Pathogenic. Review status: no assertion criteria provided. Collection method: clinical testing. Allele origin: germline. Affected: yes. Study: VKGL Data-share Consensus. Not counted in ClinVar's aggregate classification.

Literature cited by the submitters: PubMed 35606327 (cited by 3 submitters); PubMed 30122514 (cited by 6 submitters); PubMed 37337091 (cited by The Shared Resource Centre "Genome", Research Centre for Medical Genetics); PubMed 37712079 (cited by Clinical Omics and Informatics (COIN) Unit, Neuroscience Institute, University Of Cape Town); PubMed 16565160 (cited by Clinical Omics and Informatics (COIN) Unit, Neuroscience Institute, University Of Cape Town); PubMed 26392352 (cited by 3 submitters); PubMed 26633542 (cited by 3billion and Ambry Genetics); PubMed 34368388 (cited by Ambry Genetics).